The following is an entry in ClinVar:

NM_000155.4(GALT):c.385A>T (p.Met129Leu)

Gene: GALT (galactose-1-phosphate uridylyltransferase; plus strand). Cytogenetic location: 9p13.3.
Variant type: single nucleotide variant.
Coding change: c.385A>T on transcript NM_000155.4 (MANE Select); coding-DNA position 385, A replaced by T.
Protein change: p.Met129Leu; replaces methionine 129 with leucine.
Molecular consequence: missense variant.
Genome position (GRCh38, 1-based): chr9:34,647,839, A>T. VCF-style: chr9-34647839-A-T. GRCh37 (hg19) VCF-style: chr9-34647836-A-T.
Other names: c.58A>T, p.Met20Leu (NM_001258332.2); short protein forms M129L, M20L.
Identifiers: ClinVar variation 36145 (VCV000036145.11), dbSNP rs193922248, ClinGen allele CA260402.
Genomic context (GRCh38, chr9:34,647,839, plus strand): 5'-GTAGCACAGCCAAGCCCTACCTCTCGGTTATCTTTTCTCCCGTCACCACCCAGTAAGGTC[A>T]TGTGCTTCCACCCCTGGTCGGATGTAACGCTGCCACTCATGTCGGTCCCTGAGATCCGGG-3'
Protein context (NP_000146.2, residues 119-139): AKSARGVCKV[Met129Leu]CFHPWSDVTL

ClinVar aggregate classification (germline): Conflicting classifications of pathogenicity. Review status: criteria provided, conflicting classifications (1 of 4 stars). 3 submissions from 3 submitters: Likely pathogenic (2); Uncertain significance (1). Last evaluated 2023-05-09.

Conditions:
Deficiency of UDPglucose-hexose-1-phosphate uridylyltransferase. Also called: GALT deficiency; Galactosemia, classic; Transferase Deficiency Galactosemia; GALACTOSEMIA I; GALACTOSE-1-PHOSPHATE URIDYLYLTRANSFERASE DEFICIENCY. Identifiers: Orphanet 352, Orphanet 79239, MedGen C0268151, MONDO:0009258, OMIM 230400.

Allele frequency attached by ClinVar (database versions not stated): gnomAD exomes below 0.00001; TOPMed 0.00001.

Submissions (3):

Mayo Clinic Laboratories, Mayo Clinic
Classification: Uncertain significance. Last evaluated: 2023-05-09. Review status: criteria provided, single submitter. Criteria: ACMG Guidelines, 2015. Collection method: clinical testing. Allele origin: germline. Observed: 1 variant allele.
Comment: BP5, PM2

ARUP Laboratories, Molecular Genetics and Genomics, ARUP Laboratories
Classification: Likely pathogenic. Last evaluated: 2017-03-28. Review status: criteria provided, single submitter. Criteria: ARUP Molecular Germline Variant Investigation Process. Collection method: clinical testing. Allele origin: germline.

Women's Health and Genetics/Laboratory Corporation of America, LabCorp
Classification: Likely pathogenic for Galactosemia. Last evaluated: 2011-08-18. Review status: criteria provided, single submitter. Criteria: LabCorp Variant Classification Summary - May 2015. Collection method: curation, clinical testing. Allele origin: germline. Inheritance: autosomal unknown. Affected: yes.
ClinVar note: Converted during submission from likely pathogenic to Likely pathogenic.